The following is an entry in ClinVar:

ClinVar aggregate classification (germline): Uncertain significance. Review status: criteria provided, multiple submitters, no conflicts (2 of 4 stars). 3 submissions from 3 submitters: Uncertain significance (3). Last evaluated 2024-11-27.

Conditions:
Cardiovascular phenotype. Identifiers: MedGen CN230736.
Hereditary cancer-predisposing syndrome. Also called: Hereditary Cancer Syndrome; Hereditary neoplastic syndrome; Neoplastic Syndromes, Hereditary; Tumor predisposition. Identifiers: Orphanet 140162, MedGen C0027672, MeSH D009386, MONDO:0015356.
Neurofibromatosis, type 1 (NF1). Also called: Peripheral type neurofibromatosis; Neurofibromatosis, type I; VON RECKLINGHAUSEN DISEASE; NEUROFIBROMATOSIS, TYPE I, SOMATIC. Identifiers: Orphanet 636, MedGen C0027831, MONDO:0018975, OMIM 162200. Disease mechanism: loss of function.

Submissions (3):

Labcorp Genetics (formerly Invitae), Labcorp
Classification: Uncertain significance for Neurofibromatosis, type 1. Last evaluated: 2024-11-27. Review status: criteria provided, single submitter. Criteria: Invitae Variant Classification Sherloc (09022015). Collection method: clinical testing. Allele origin: germline.
Comment: This sequence change replaces alanine, which is neutral and non-polar, with serine, which is neutral and polar, at codon 1349 of the NF1 protein (p.Ala1349Ser). This variant is not present in population databases (gnomAD no frequency). This variant has not been reported in the literature in individuals affected with NF1-related conditions. ClinVar contains an entry for this variant (Variation ID: 1336618). Invitae Evidence Modeling of protein sequence and biophysical properties (such as structural, functional, and spatial information, amino acid conservation, physicochemical variation, residue mobility, and thermodynamic stability) indicates that this missense variant is expected to disrupt NF1 protein function with a positive predictive value of 95%. In summary, the available evidence is currently insufficient to determine the role of this variant in disease. Therefore, it has been classified as a Variant of Uncertain Significance.

Ambry Genetics
Classification: Uncertain significance for Cardiovascular phenotype; Hereditary cancer-predisposing syndrome. Last evaluated: 2022-12-30. Review status: criteria provided, single submitter. Criteria: Ambry Variant Classification Scheme 2023. Collection method: clinical testing. Allele origin: germline.
Comment: The p.A1349S variant (also known as c.4045G>T), located in coding exon 30 of the NF1 gene, results from a G to T substitution at nucleotide position 4045. The alanine at codon 1349 is replaced by serine, an amino acid with similar properties. This amino acid position is highly conserved in available vertebrate species. In addition, the in silico prediction for this alteration is inconclusive. Since supporting evidence is limited at this time, the clinical significance of this alteration remains unclear.

Genetic Services Laboratory, University of Chicago
Classification: Uncertain significance. Last evaluated: 2018-04-12. Review status: criteria provided, single submitter. Criteria: ACMG Guidelines, 2015. Collection method: clinical testing. Allele origin: germline. Affected: no.

NM_001042492.3(NF1):c.4045G>T (p.Ala1349Ser)

Gene: NF1 (neurofibromin 1; plus strand). Cytogenetic location: 17q11.2.
Variant type: single nucleotide variant.
Coding change: c.4045G>T on transcript NM_001042492.3 (MANE Select); coding-DNA position 4045, G replaced by T.
Protein change: p.Ala1349Ser; replaces alanine 1349 with serine.
Molecular consequence: missense variant.
Genome position (GRCh38, 1-based): chr17:31,249,054, G>T. VCF-style: chr17-31249054-G-T. GRCh37 (hg19) VCF-style: chr17-29576072-G-T.
Other names: c.4045G>T, p.Ala1349Ser (NM_000267.4); short protein forms A1349S.
Identifiers: ClinVar variation 1336618 (VCV001336618.8), dbSNP rs1555617332, ClinGen allele CA398994966.
Genomic context (GRCh38, chr17:31,249,054, plus strand): 5'-TCAGAGAGCCTTGAGGAAAACCAGCGGAACCTCCTTCAGATGACTGAAAAGTTCTTCCAT[G>T]CCATCATCAGTTCCTCCTCAGAATTCCCCCCTCAACTTCGAAGTGTGTGCCACTGTTTAT-3'
Protein context (NP_001035957.1, residues 1339-1359): LLQMTEKFFH[Ala1349Ser]IISSSSEFPP